The following is an entry in ClinVar:

NM_015629.4(PRPF31):c.1263dup (p.Lys422fs)

Gene: PRPF31 (pre-mRNA processing factor 31; plus strand). Cytogenetic location: 19q13.42.
Variant type: Duplication.
Coding change: c.1263dup on transcript NM_015629.4 (MANE Select); coding-DNA position 1263, one base duplicated (C; older notation c.1263dupC).
Protein change: p.Lys422fs; shifts the reading frame from lysine 422.
Molecular consequence: frameshift variant.
Genome position (GRCh38, 1-based): chr19:54,129,173, C duplicated; the last of 2 consecutive C bases (chr19:54,129,172-54,129,173); duplicating either gives the same sequence. VCF-style (leftmost placement, unchanged base first): chr19-54129171-T-TC. GRCh37 (hg19) VCF-style: chr19-54632546-T-TC.
Other names: c.1263dupC (NM_015629.3); short protein forms K422fs.
Identifiers: ClinVar variation 2024341 (VCV002024341.6), dbSNP rs2516206637, ClinGen allele CA2580097823.

ClinVar aggregate classification (germline): Pathogenic. Review status: criteria provided, single submitter (1 of 4 stars). 2 submissions from 2 submitters: Pathogenic (1). 1 of the submissions does not count toward it. Last evaluated 2022-08-18.

Conditions:
PRPF31-related disorder. Also called: PRPF31-related condition.

Submissions (2):

Labcorp Genetics (formerly Invitae), Labcorp
Classification: Pathogenic. Last evaluated: 2022-08-18. Review status: criteria provided, single submitter. Criteria: Invitae Variant Classification Sherloc (09022015). Collection method: clinical testing. Allele origin: germline.
Comment: For these reasons, this variant has been classified as Pathogenic. This variant disrupts a region of the PRPF31 protein in which other variant(s) ( Deletion of Exon 14) have been determined to be pathogenic (Invitae). This suggests that this is a clinically significant region of the protein, and that variants that disrupt it are likely to be disease-causing. This premature translational stop signal has been observed in individual(s) with clinical features of retinitis pigmentosa (Invitae). This variant is not present in population databases (gnomAD no frequency). This sequence change creates a premature translational stop signal (p.Lys422Glnfs*53) in the PRPF31 gene. While this is not anticipated to result in nonsense mediated decay, it is expected to disrupt the last 78 amino acid(s) of the PRPF31 protein.

PreventionGenetics, part of Exact Sciences
Classification: Pathogenic for PRPF31-related condition. Last evaluated: 2023-10-30. Review status: no assertion criteria provided. Collection method: clinical testing. Allele origin: germline. Not counted in ClinVar's aggregate classification.
Comment: The PRPF31 c.1263dupC variant is predicted to result in a frameshift and premature protein termination (p.Lys422Glnfs*53). To our knowledge, this variant has not been reported in the literature or in a large population database, indicating this variant is rare. Frameshift variants in PRPF31 are expected to be pathogenic. Therefore we interpret this variant as pathogenic.